The following is an entry in ClinVar:

ClinVar aggregate classification (germline): Uncertain significance (1 of 4 stars; one submission).

Allele frequency attached by ClinVar (database versions not stated): TOPMed below 0.00001; ExAC 0.00001; gnomAD exomes 0.00001.
gnomAD v4.1: 3 of 1,613,836 alleles (0.00019%); highest among the groups gnomAD compares: Admixed American, 0.0033%; no homozygotes.

Submission:

Labcorp Genetics (formerly Invitae), Labcorp
Classification: Uncertain significance. Last evaluated: 2022-03-19. Review status: criteria provided, single submitter. Criteria: Invitae Variant Classification Sherloc (09022015). Collection method: clinical testing. Allele origin: germline.
Comment: In summary, the available evidence is currently insufficient to determine the role of this variant in disease. Therefore, it has been classified as a Variant of Uncertain Significance. Algorithms developed to predict the effect of missense changes on protein structure and function are either unavailable or do not agree on the potential impact of this missense change (SIFT: "Deleterious"; PolyPhen-2: "Probably Damaging"; Align-GVGD: "Class C0"). This variant has not been reported in the literature in individuals affected with SNX10-related conditions. This variant is present in population databases (rs757782215, gnomAD 0.009%). This sequence change replaces serine, which is neutral and polar, with cysteine, which is neutral and slightly polar, at codon 48 of the SNX10 protein (p.Ser48Cys).

NM_013322.3(SNX10):c.143C>G (p.Ser48Cys)

Gene: SNX10 (sorting nexin 10; plus strand). Cytogenetic location: 7p15.2.
Variant type: single nucleotide variant.
Coding change: c.143C>G on transcript NM_013322.3 (MANE Select); coding-DNA position 143, C replaced by G.
Protein change: p.Ser48Cys; replaces serine 48 with cysteine.
Molecular consequence: missense variant. On other transcripts: intron variant (1).
Genome position (GRCh38, 1-based): chr7:26,364,566, C>G. VCF-style: chr7-26364566-C-G. GRCh37 (hg19) VCF-style: chr7-26404186-C-G.
Other names: c.143C>G, p.Ser48Cys (NM_001199835.1, NM_001318199.3); c.134C>G, p.Ser45Cys (NM_001199837.3); c.221C>G, p.Ser74Cys (NM_001318198.1, NM_001362753.1, NM_001362754.1); c.-41+64C>G (NM_001199838.2); short protein forms S45C, S74C, S48C.
Identifiers: ClinVar variation 1404569 (VCV001404569.7), dbSNP rs757782215, ClinGen allele CA4195188.
Genomic context (GRCh38, chr7:26,364,566, plus strand): 5'-AGACTCATTTTTCTACTTTCTCTGTACAGACTAATAGCATGTGTTTTACAATGAAAACAT[C>G]CTGTGTACGAAGAAGATATAGAGAATTCGTGTGGCTGAGGCAGAGACTCCAAAGTAATGC-3'
Protein context (NP_037454.2, residues 38-58): TNSMCFTMKT[Ser48Cys]CVRRRYREFV